The following is an entry in ClinVar:

ClinVar aggregate classification (germline): Likely benign (1 of 4 stars; one submission).

Conditions:
TTN-related disorder. Also called: TTN-related disorders; TTN-related condition; TTN-related disease.

Submission:

PreventionGenetics, part of Exact Sciences
Classification: Likely benign for TTN-related condition. Last evaluated: 2026-01-02. Review status: criteria provided, single submitter. Criteria: ACMG Guidelines, 2015. Collection method: clinical testing. Allele origin: germline.
Comment: This variant is classified as likely benign based on ACMG/AMP sequence variant interpretation guidelines (Richards et al. 2015 PMID: 25741868, with internal and published modifications).

NM_001267550.2(TTN):c.36750G>C (p.Pro12250=)

Gene: TTN (titin; minus strand). Cytogenetic location: 2q31.2.
Variant type: single nucleotide variant.
Coding change: c.36750G>C on transcript NM_001267550.2 (MANE Select); coding-DNA position 36750, G replaced by C.
Protein change: p.Pro12250=; no amino-acid change (proline 12250 retained).
Molecular consequence: synonymous variant. On other transcripts: intron variant (3).
Genome position (GRCh38, 1-based): chr2:178,663,006, C>G on the plus strand (G>C on the coding strand, the complement: TTN is on the minus strand). VCF-style: chr2-178663006-C-G. GRCh37 (hg19) VCF-style: chr2-179527733-C-G.
Other names: c.34314G>C, p.Pro11438= (NM_001256850.1); c.31533G>C, p.Pro10511= (NM_133378.4); c.13283-20689G>C (NM_003319.4); c.13859-20689G>C (NM_133437.4); c.13658-20689G>C (NM_133432.3).
Identifiers: ClinVar variation 4983832 (VCV004983832.1).